The following is an entry in ClinVar:

ClinVar aggregate classification (germline): Uncertain significance. Review status: criteria provided, multiple submitters, no conflicts (2 of 4 stars). 2 submissions from 2 submitters: Uncertain significance (2). Last evaluated 2022-09-27.

Conditions:
Cortical dysplasia-focal epilepsy syndrome (PTHSL1). Also called: Pitt-Hopkins-like syndrome 1. Identifiers: Orphanet 163681, Orphanet 221150, MedGen C2750246, MONDO:0012400, OMIM 610042.

Allele frequency attached by ClinVar (database versions not stated): gnomAD exomes 0.00003 and 0.00009; gnomAD 0.00004 and 0.00005; TOPMed 0.00004; ExAC 0.00007; 1000 Genomes Project 30x 0.00031; 1000 Genomes Project 0.00040.
gnomAD v4.1: 57 of 1,612,472 alleles (0.0035%); highest among the groups gnomAD compares: East Asian, 0.12%; no homozygotes.

Submissions (2):

Labcorp Genetics (formerly Invitae), Labcorp
Classification: Uncertain significance for Cortical dysplasia-focal epilepsy syndrome. Last evaluated: 2022-09-27. Review status: criteria provided, single submitter. Criteria: Invitae Variant Classification Sherloc (09022015). Collection method: clinical testing. Allele origin: germline.
Comment: This sequence change replaces asparagine, which is neutral and polar, with aspartic acid, which is acidic and polar, at codon 546 of the CNTNAP2 protein (p.Asn546Asp). In summary, the available evidence is currently insufficient to determine the role of this variant in disease. Therefore, it has been classified as a Variant of Uncertain Significance. Algorithms developed to predict the effect of missense changes on protein structure and function are either unavailable or do not agree on the potential impact of this missense change (SIFT: "Deleterious"; PolyPhen-2: "Benign"; Align-GVGD: "Class C0"). ClinVar contains an entry for this variant (Variation ID: 864542). This variant has not been reported in the literature in individuals affected with CNTNAP2-related conditions. This variant is present in population databases (rs142149051, gnomAD 0.1%).

Baylor Genetics
Classification: Uncertain significance for Cortical dysplasia-focal epilepsy syndrome. Last evaluated: 2018-01-11. Review status: criteria provided, single submitter. Criteria: ACMG Guidelines, 2015. Collection method: clinical testing. Allele origin: maternal. Affected: yes.
Comment: This variant was determined to be of uncertain significance according to ACMG Guidelines, 2015 [PMID:25741868].

NM_014141.6(CNTNAP2):c.1636A>G (p.Asn546Asp)

Gene: CNTNAP2 (contactin associated protein 2; plus strand). Cytogenetic location: 7q35.
Variant type: single nucleotide variant.
Coding change: c.1636A>G on transcript NM_014141.6 (MANE Select); coding-DNA position 1636, A replaced by G.
Protein change: p.Asn546Asp; replaces asparagine 546 with aspartic acid.
Molecular consequence: missense variant.
Genome position (GRCh38, 1-based): chr7:147,395,746, A>G. VCF-style: chr7-147395746-A-G. GRCh37 (hg19) VCF-style: chr7-147092838-A-G.
Other names: short protein forms N546D.
Identifiers: ClinVar variation 864542 (VCV000864542.7), dbSNP rs142149051, ClinGen allele CA4546132.
Genomic context (GRCh38, chr7:147,395,746, plus strand): 5'-GTGGACGATCAACTTGTAAATTTATACGAAGTGGCACAAAGGAAGCCGGGAAGTTTCGCG[A>G]ATGTCAGCATTGACATGTGTGCGATCATAGACAGGTAAATGATCTTTTCATCCTACCTCA-3'
Protein context (NP_054860.1, residues 536-556): VAQRKPGSFA[Asn546Asp]VSIDMCAIID